The following is an entry in ClinVar:

NM_001256627.2(BRSK2):c.1959_1966dup (p.Thr656delinsLysTer)

Gene: BRSK2 (BR serine/threonine kinase 2; plus strand). Cytogenetic location: 11p15.5.
Variant type: Duplication.
Coding change: c.1959_1966dup on transcript NM_001256627.2 (MANE Select); coding-DNA positions 1959 to 1966, 8 bases duplicated (AATGATGA; older notation c.1959_1966dupAATGATGA).
Protein change: p.Thr656delinsLysTer.
Molecular consequence: nonsense. On other transcripts: non-coding transcript variant (1), intron variant (5).
Genome position (GRCh38, 1-based): chr11:1,459,211-1,459,218, AATGATGA duplicated; duplicating any 8 consecutive bases within chr11:1,459,209-1,459,218 gives the same sequence; the c. name uses the placement nearest the transcript's 3' end. VCF-style (leftmost placement, unchanged base first): chr11-1459208-G-GGAAATGAT. GRCh37 (hg19) VCF-style: chr11-1480438-G-GGAAATGAT.
Other names: c.2097_2104dup, p.Thr702delinsLysTer (NM_001256630.1, NM_001440667.1); c.2391_2398dup, p.Thr800delinsLysTer (NM_001440665.1); c.2325_2332dup, p.Thr778delinsLysTer (NM_001440666.1); c.2025_2032dup, p.Thr678delinsLysTer (NM_001440668.1); c.1779_1786dup, p.Thr596delinsLysTer (NM_001440669.1, NM_001440673.1, NM_001440674.1 and 1 more transcripts); c.1845_1852dup, p.Thr618delinsLysTer (NM_001440671.1); c.1959_1966dup, p.Thr656delinsLysTer (NM_003957.4); c.2006-1759_2006-1752dup (NM_001440670.1); and 3 more.
Identifiers: ClinVar variation 4293685 (VCV004293685.1).

ClinVar aggregate classification (germline): Likely pathogenic (1 of 4 stars; one submission).

Conditions:
BRSK2-related neurodevelopmental disorder.

Submission:

3billion
Classification: Likely pathogenic for BRSK2-related neurodevelopmental disorder. Last evaluated: 2024-06-14. Review status: criteria provided, single submitter. Criteria: ACMG Guidelines, 2015. Collection method: clinical testing. Allele origin: germline. Affected: yes.
Comment: The variant is observed at an extremely low frequency in the gnomAD v4.0.0 dataset (total allele frequency: <0.001%). Predicted Consequence/Location: Frameshift: predicted to result in a loss or disruption of normal protein function through protein truncation. The predicted truncated protein may be shortened by more than 10%. Therefore, this variant is classified as according to the recommendation of ACMG/AMP guideline.